The following is an entry in ClinVar:

NM_001367624.2(ZNF469):c.7426G>A (p.Val2476Ile)

Gene: ZNF469 (zinc finger protein 469; plus strand). Cytogenetic location: 16q24.2.
Variant type: single nucleotide variant.
Coding change: c.7426G>A on transcript NM_001367624.2 (MANE Select); coding-DNA position 7426, G replaced by A.
Protein change: p.Val2476Ile; replaces valine 2476 with isoleucine.
Molecular consequence: missense variant.
Genome position (GRCh38, 1-based): chr16:88,434,896, G>A. VCF-style: chr16-88434896-G-A. GRCh37 (hg19) VCF-style: chr16-88501304-G-A.
Other names: NM_001127464.1:c.7342G>A; short protein forms V2476I.
Identifiers: ClinVar variation 1758420 (VCV001758420.2), dbSNP rs1285252474, ClinGen allele CA397110144.
Genomic context (GRCh38, chr16:88,434,896, plus strand): 5'-GCATCTACAGAGAACGGCCAGTGGAAGGGCCAAGCTCCACATGGGCCTGTGACCTGTGAG[G>A]TCTGCGCAGCCTCCTTCCGCTCCGGGCCGGGCCTGAGCCGGCACAAGGCCAGGAAGCACC-3'
Protein context (NP_001354553.1, residues 2466-2486): QAPHGPVTCE[Val2476Ile]CAASFRSGPG

ClinVar aggregate classification (germline): Uncertain significance (1 of 4 stars; one submission).

Conditions:
Cardiovascular phenotype. Identifiers: MedGen CN230736.

Allele frequency attached by ClinVar (database versions not stated): gnomAD exomes below 0.00001; TOPMed below 0.00001; gnomAD 0.00001.
gnomAD v4.1: 5 of 1,550,226 alleles (0.00032%); highest among the groups gnomAD compares: Non-Finnish European, 0.00044%; no homozygotes.

Submission:

Ambry Genetics
Classification: Uncertain significance for Cardiovascular phenotype. Last evaluated: 2022-06-06. Review status: criteria provided, single submitter. Criteria: Ambry Variant Classification Scheme 2023. Collection method: clinical testing. Allele origin: germline.
Comment: The p.V2448I variant (also known as c.7342G>A), located in coding exon 2 of the ZNF469 gene, results from a G to A substitution at nucleotide position 7342. The valine at codon 2448 is replaced by isoleucine, an amino acid with highly similar properties. This amino acid position is conserved. In addition, this alteration is predicted to be tolerated by in silico analysis. Since supporting evidence is limited at this time, the clinical significance of this alteration remains unclear.